The following is an entry in ClinVar:

NM_001395413.1(POR):c.1536C>T (p.Phe512=)

Gene: POR (cytochrome p450 oxidoreductase; plus strand). Cytogenetic location: 7q11.23.
Variant type: single nucleotide variant.
Coding change: c.1536C>T on transcript NM_001395413.1 (MANE Select); coding-DNA position 1536, C replaced by T.
Protein change: p.Phe512=; no amino-acid change (phenylalanine 512 retained).
Molecular consequence: synonymous variant.
Genome position (GRCh38, 1-based): chr7:75,985,725, C>T. VCF-style: chr7-75985725-C-T. GRCh37 (hg19) VCF-style: chr7-75615043-C-T.
Other names: c.1545C>T, p.Phe515= (NM_000941.2, NM_000941.3); c.1536C>T, p.Phe512= (NM_001367562.3, NM_001382657.2, NM_001382658.3 and 1 more transcripts); c.1590C>T, p.Phe530= (NM_001382655.3); c.1386C>T, p.Phe462= (NM_001382662.3).
Identifiers: ClinVar variation 2781492 (VCV002781492.5), dbSNP rs530065348, ClinGen allele CA4304183.

ClinVar aggregate classification (germline): Likely benign. Review status: criteria provided, single submitter (1 of 4 stars). 2 submissions from 2 submitters: Likely benign (1). 1 of the submissions does not count toward it. Last evaluated 2025-12-01.

Conditions:
Congenital adrenal hyperplasia due to cytochrome P450 oxidoreductase deficiency. Also called: DISORDERED STEROIDOGENESIS DUE TO POR DEFICIENCY. Identifiers: Orphanet 95699, MedGen C1860042, MONDO:0013310, OMIM 613571.
POR-related disorder. Also called: POR-related condition.

Allele frequency attached by ClinVar (database versions not stated): TOPMed 0.00001; gnomAD exomes 0.00002; ExAC 0.00009; 1000 Genomes Project 30x 0.00016; 1000 Genomes Project 0.00020.
gnomAD v4.1: 38 of 1,588,884 alleles (0.0024%); highest among the groups gnomAD compares: Admixed American, 0.0089%; no homozygotes.

Submissions (2):

Labcorp Genetics (formerly Invitae), Labcorp
Classification: Likely benign for Congenital adrenal hyperplasia due to cytochrome P450 oxidoreductase deficiency. Last evaluated: 2025-12-01. Review status: criteria provided, single submitter. Criteria: Invitae Variant Classification Sherloc (09022015). Collection method: clinical testing. Allele origin: germline.

PreventionGenetics, part of Exact Sciences
Classification: Likely benign for POR-related condition. Last evaluated: 2022-10-15. Review status: no assertion criteria provided. Collection method: clinical testing. Allele origin: germline. Not counted in ClinVar's aggregate classification.
Comment: This variant is classified as likely benign based on ACMG/AMP sequence variant interpretation guidelines (Richards et al. 2015 PMID: 25741868, with internal and published modifications).